The following is an entry in ClinVar:

ClinVar aggregate classification (germline): Uncertain significance (1 of 4 stars; one submission).

Allele frequency attached by ClinVar (database versions not stated): gnomAD exomes below 0.00001.
gnomAD v4.1: 1 of 1,613,942 alleles (0.000062%); highest among the groups gnomAD compares: Non-Finnish European, 0.000085%; no homozygotes.

Submission:

Institute for Clinical Genetics, University Hospital TU Dresden, University Hospital TU Dresden
Classification: Uncertain significance. Last evaluated: 2023-06-12. Review status: criteria provided, single submitter. Criteria: ACMG Guidelines, 2015. Collection method: clinical testing. Allele origin: paternal.
Comment: PM2_SUP, PP2

NM_004859.4(CLTC):c.1873C>T (p.Arg625Cys)

Gene: CLTC (clathrin heavy chain; plus strand). Cytogenetic location: 17q23.1.
Variant type: single nucleotide variant.
Coding change: c.1873C>T on transcript NM_004859.4 (MANE Select); coding-DNA position 1873, C replaced by T.
Protein change: p.Arg625Cys; replaces arginine 625 with cysteine.
Molecular consequence: missense variant.
Genome position (GRCh38, 1-based): chr17:59,666,570, C>T. VCF-style: chr17-59666570-C-T. GRCh37 (hg19) VCF-style: chr17-57743931-C-T.
Other names: c.1885C>T, p.Arg629Cys (NM_001288653.2); short protein forms R625C, R629C.
Identifiers: ClinVar variation 2576155 (VCV002576155.1), dbSNP rs1268204688, ClinGen allele CA400428194.